The following is an entry in ClinVar:

ClinVar aggregate classification (germline): Uncertain significance (1 of 4 stars; one submission).

Submission:

Labcorp Genetics (formerly Invitae), Labcorp
Classification: Uncertain significance. Last evaluated: 2022-06-14. Review status: criteria provided, single submitter. Criteria: Invitae Variant Classification Sherloc (09022015). Collection method: clinical testing. Allele origin: germline.
Comment: This sequence change replaces arginine, which is basic and polar, with proline, which is neutral and non-polar, at codon 9 of the ATP5D protein (p.Arg9Pro). This variant is not present in population databases (gnomAD no frequency). This variant has not been reported in the literature in individuals affected with ATP5D-related conditions. Algorithms developed to predict the effect of missense changes on protein structure and function are either unavailable or do not agree on the potential impact of this missense change (SIFT: "Tolerated"; PolyPhen-2: "Not Available"; Align-GVGD: "Class C0"). In summary, the available evidence is currently insufficient to determine the role of this variant in disease. Therefore, it has been classified as a Variant of Uncertain Significance.

NM_001687.5(ATP5F1D):c.26G>C (p.Arg9Pro)

Gene: ATP5F1D (ATP synthase F1 subunit delta; plus strand). Cytogenetic location: 19p13.3.
Variant type: single nucleotide variant.
Coding change: c.26G>C on transcript NM_001687.5 (MANE Select); coding-DNA position 26, G replaced by C.
Protein change: p.Arg9Pro; replaces arginine 9 with proline.
Molecular consequence: missense variant.
Genome position (GRCh38, 1-based): chr19:1,241,876, G>C. VCF-style: chr19-1241876-G-C. GRCh37 (hg19) VCF-style: chr19-1241875-G-C.
Other names: c.26G>C, p.Arg9Pro (NM_001001975.2); short protein forms R9P.
Identifiers: ClinVar variation 2006080 (VCV002006080.4), dbSNP rs2081038633, ClinGen allele CA402978694.